The following is an entry in ClinVar:

ClinVar aggregate classification (germline): Uncertain significance (1 of 4 stars; one submission).

Allele frequency attached by ClinVar (database versions not stated): gnomAD exomes below 0.00001.

Submission:

GeneDx
Classification: Uncertain significance. Last evaluated: 2022-09-08. Review status: criteria provided, single submitter. Criteria: GeneDx Variant Classification Process June 2021. Collection method: clinical testing. Allele origin: germline. Affected: yes.
Comment: Not observed at significant frequency in large population cohorts (gnomAD); In silico analysis supports that this missense variant has a deleterious effect on protein structure/function; Has not been previously published as pathogenic or benign to our knowledge

NM_001943.5(DSG2):c.500C>G (p.Ser167Cys)

Gene: DSG2 (desmoglein 2; plus strand). Cytogenetic location: 18q12.1.
Variant type: single nucleotide variant.
Coding change: c.500C>G on transcript NM_001943.5 (MANE Select); coding-DNA position 500, C replaced by G.
Protein change: p.Ser167Cys; replaces serine 167 with cysteine.
Molecular consequence: missense variant.
Genome position (GRCh38, 1-based): chr18:31,521,220, C>G. VCF-style: chr18-31521220-C-G. GRCh37 (hg19) VCF-style: chr18-29101183-C-G.
Other names: short protein forms S167C.
Identifiers: ClinVar variation 2443649 (VCV002443649.1), dbSNP rs2510911164, ClinGen allele CA402132424.
Genomic context (GRCh38, chr18:31,521,220, plus strand): 5'-TTAAGGTTCTTGATATCAATGACAACGAACCAGTGTTCACACAGGATGTCTTTGTTGGGT[C>G]TGTTGAAGAGTTGAGTGCAGCACGTAAGAGTCTTTTTTTTTTTTTTTAATAAATAAATAC-3'
Protein context (NP_001934.2, residues 157-177): PVFTQDVFVG[Ser167Cys]VEELSAAHTL